The following is an entry in ClinVar:

ClinVar aggregate classification (germline): Likely pathogenic (1 of 4 stars; one submission).

Conditions:
CHARGE syndrome (CHARGE). Also called: Hittner Hirsch Kreh syndrome; CHARGE ASSOCIATION--COLOBOMA, HEART ANOMALY, CHOANAL ATRESIA, RETARDATION, GENITAL AND EAR ANOMALIES; Coloboma, heart anomaly, choanal atresia, retardation, genital and ear anomalies; CHARGE association; Hall-Hittner syndrome. Identifiers: Orphanet 138, MedGen C0265354, MONDO:0008965.

Submission:

Labcorp Genetics (formerly Invitae), Labcorp
Classification: Likely pathogenic for CHARGE syndrome. Last evaluated: 2026-01-06. Review status: criteria provided, single submitter. Criteria: Invitae Variant Classification Sherloc (09022015). Collection method: clinical testing. Allele origin: germline.
Comment: This variant, c.5068_5069insTGA, is a complex sequence change that results in the deletion of 1 and insertion of 2 amino acid(s) in the CHD7 protein (p.Pro1690delinsLeuThr). This variant is not present in population databases (gnomAD no frequency). This variant has been observed in individual(s) with CHARGE syndrome (internal data). In at least one individual the variant was observed to be de novo. In summary, the currently available evidence indicates that the variant is pathogenic, but additional data are needed to prove that conclusively. Therefore, this variant has been classified as Likely Pathogenic.

NM_017780.4(CHD7):c.5068_5069insTGA (p.Pro1690delinsLeuThr)

Gene: CHD7 (chromodomain helicase DNA binding protein 7; plus strand). Cytogenetic location: 8q12.2.
Variant type: Insertion.
Coding change: c.5068_5069insTGA on transcript NM_017780.4 (MANE Select); coding-DNA positions 5068 to 5069, TGA inserted.
Protein change: p.Pro1690delinsLeuThr.
Molecular consequence: inframe indel. On other transcripts: intron variant (1).
Genome position: GRCh38 VCF-style: chr8-60845267-C-CTGA. GRCh37 (hg19) VCF-style: chr8-61757826-C-CTGA.
Other names: c.1717-16962_1717-16961insTGA (NM_001316690.1).
Identifiers: ClinVar variation 4733467 (VCV004733467.1).